The following is an entry in ClinVar:

ClinVar aggregate classification (germline): Benign/Likely benign. Review status: criteria provided, multiple submitters, no conflicts (2 of 4 stars). 7 submissions from 7 submitters: Benign (1); Likely benign (6). Last evaluated 2025-11-25.

Conditions:
Hereditary cancer-predisposing syndrome. Also called: Tumor predisposition; Hereditary neoplastic syndrome; Hereditary Cancer Syndrome; Neoplastic Syndromes, Hereditary. Identifiers: Orphanet 140162, MedGen C0027672, MeSH D009386, MONDO:0015356.
Familial cancer of breast. Also called: hereditary breast carcinoma; BREAST CANCER, FAMILIAL; Hereditary breast cancer. Identifiers: Orphanet 227535, MedGen C0346153, MONDO:0016419, OMIM 114480. Disease mechanism: loss of function.

Allele frequency attached by ClinVar (database versions not stated): TOPMed 0.00002; gnomAD 0.00004 and 0.00005; 1000 Genomes Project 30x 0.00047; 1000 Genomes Project 0.00060.
gnomAD v4.1: 68 of 1,602,940 alleles (0.0042%); highest among the groups gnomAD compares: East Asian, 0.15%; no homozygotes.

Submissions (7):

Labcorp Genetics (formerly Invitae), Labcorp
Classification: Likely benign for Familial cancer of breast. Last evaluated: 2025-11-25. Review status: criteria provided, single submitter. Criteria: Invitae Variant Classification Sherloc (09022015). Collection method: clinical testing. Allele origin: germline.

Myriad Genetics, Inc.
Classification: Likely benign for Familial cancer of breast. Last evaluated: 2024-10-04. Review status: criteria provided, single submitter. Criteria: Myriad Autosomal Dominant, Autosomal Recessive and X-Linked Classification Criteria (2023). Collection method: clinical testing. Allele origin: unknown.
Comment: This variant is considered likely benign. This variant is intronic and is not expected to impact mRNA splicing.

Quest Diagnostics Nichols Institute San Juan Capistrano
Classification: Likely benign. Last evaluated: 2022-09-02. Review status: criteria provided, single submitter. Criteria: Quest Diagnostics criteria. Collection method: clinical testing. Allele origin: unknown.

CeGaT Center for Human Genetics Tuebingen
Classification: Likely benign. Last evaluated: 2022-03-01. Review status: criteria provided, single submitter. Criteria: CeGaT Center For Human Genetics Tuebingen Variant Classification Criteria Version 2. Collection method: clinical testing. Allele origin: germline. Affected: yes. Observed: 1 variant allele.
Comment: CHEK2: BP4

GeneDx
Classification: Likely benign. Last evaluated: 2017-10-02. Review status: criteria provided, single submitter. Criteria: GeneDx Variant Classification (06012015). Collection method: clinical testing. Allele origin: germline. Affected: yes.
Comment: This variant is considered likely benign or benign based on one or more of the following criteria: it is a conservative change, it occurs at a poorly conserved position in the protein, it is predicted to be benign by multiple in silico algorithms, and/or has population frequency not consistent with disease.

Women's Health and Genetics/Laboratory Corporation of America, LabCorp
Classification: Benign. Last evaluated: 2017-08-29. Review status: criteria provided, single submitter. Criteria: LabCorp Variant Classification Summary - May 2015. Collection method: clinical testing. Allele origin: germline.
Comment: Variant summary: c.1008+8A>G in CHEK2 gene is an intronic change that involves a non-conserved nucleotide. 5/5 programs in Alamut predict that this variant does not affect a normal splicing, however no functional studies supporting this notion were published at the time of evaluation. The variant is present in the control population dataset of gnomAD at frequency of 0.000047 (13/ 277160 chrs tested), exclusively in individuals of East Asian descent (0.00069; 13/18868 chrs tested). The observed frequency exceeds the maximum expected allele frequency for a pathogenic variant of 0.000024, suggesting that it is likely to be a common polymorphism. The variant of interest has not, to our knowledge, been reported in affected individuals in published reports but is cited as Likely Benign by reputable database/clinical laboratory. Taking together, the variant was classified as Benign.

Color Diagnostics, LLC DBA Color Health
Classification: Likely benign for Hereditary cancer-predisposing syndrome. Last evaluated: 2017-06-08. Review status: criteria provided, single submitter. Criteria: ACMG Guidelines, 2015. Collection method: clinical testing. Allele origin: germline.

NM_007194.4(CHEK2):c.1008+8A>G

Gene: CHEK2 (checkpoint kinase 2; minus strand). Cytogenetic location: 22q12.1.
Variant type: single nucleotide variant.
Coding change: c.1008+8A>G on transcript NM_007194.4 (MANE Select); 8 bases into the intron after coding-DNA position 1008, A replaced by G.
Molecular consequence: intron variant.
Genome position (GRCh38, 1-based): chr22:28,699,830, T>C on the plus strand (A>G on the coding strand, the complement: CHEK2 is on the minus strand). VCF-style: chr22-28699830-T-C. GRCh37 (hg19) VCF-style: chr22-29095818-T-C.
Other names: c.345+8A>G (NM_001437942.1, NM_001257387.3); c.807+8A>G (NM_001349956.3); c.1008+8A>G (NM_145862.3); c.1101+8A>G (NM_001438295.1, NM_001438293.1); c.1137+8A>G (NM_001438294.1, NM_001005735.3).
Identifiers: ClinVar variation 415930 (VCV000415930.48), dbSNP rs139986197, ClinGen allele CA10167764.